The following is an entry in ClinVar:

ClinVar aggregate classification (germline): Uncertain significance (1 of 4 stars; one submission).

gnomAD v4.1: 1 of 1,606,332 alleles (0.000062%); highest among the groups gnomAD compares: Non-Finnish European, 0.000085%; no homozygotes.

Submission:

Ambry Genetics
Classification: Uncertain significance. Last evaluated: 2024-09-08. Review status: criteria provided, single submitter. Criteria: Ambry Variant Classification Scheme 2023. Collection method: clinical testing. Allele origin: germline.
Comment: The p.K124E variant (also known as c.370A>G), located in coding exon 4 of the PRKDC gene, results from an A to G substitution at nucleotide position 370. The lysine at codon 124 is replaced by glutamic acid, an amino acid with similar properties. This amino acid position is conserved. In addition, this alteration is predicted to be tolerated by in silico analysis. Based on the available evidence, the clinical significance of this variant remains unclear.

NM_006904.7(PRKDC):c.370A>G (p.Lys124Glu)

Gene: PRKDC (protein kinase, DNA-activated, catalytic subunit; minus strand). Cytogenetic location: 8q11.21.
Variant type: single nucleotide variant.
Coding change: c.370A>G on transcript NM_006904.7 (MANE Select); coding-DNA position 370, A replaced by G.
Protein change: p.Lys124Glu; replaces lysine 124 with glutamic acid.
Molecular consequence: missense variant.
Genome position (GRCh38, 1-based): chr8:47,955,903, T>C on the plus strand (A>G on the coding strand, the complement: PRKDC is on the minus strand). VCF-style: chr8-47955903-T-C. GRCh37 (hg19) VCF-style: chr8-48868463-T-C.
Other names: c.370A>G, p.Lys124Glu (NM_001081640.2); short protein forms K124E.
Identifiers: ClinVar variation 3425328 (VCV003425328.1).